The following is an entry in ClinVar:

Conditions:
Breast-ovarian cancer, familial, susceptibility to, 1 (BROVCA1). Also called: BRCA1 Hereditary Breast and Ovarian Cancer; OVARIAN CANCER, SUSCEPTIBILITY TO. Identifiers: Orphanet 145, MedGen C2676676, MONDO:0011450, OMIM 604370. Disease mechanism: loss of function.

Submission:

Brotman Baty Institute, University of Washington
No classification provided (evidence only). Condition: Breast-ovarian cancer, familial 1. Review status: no classification provided. Collection method: in vitro. Allele origin: not applicable. Functional consequence: functionally_normal.
ClinVar note: "not provided" was previously submitted as the classification for the variant. However, the classification appeared to be based only on an observation of functional data so it was converted to no classification on 2025-07-30.

NM_007294.4(BRCA1):c.251A>C (p.Glu84Ala)

Gene: BRCA1 (BRCA1 DNA repair associated; minus strand). Cytogenetic location: 17q21.31.
Variant type: single nucleotide variant.
Coding change: c.251A>C on transcript NM_007294.4 (MANE Select); coding-DNA position 251, A replaced by C.
Protein change: p.Glu84Ala; replaces glutamic acid 84 with alanine.
Molecular consequence: missense variant. On other transcripts: non-coding transcript variant (1).
Genome position (GRCh38, 1-based): chr17:43,104,918, T>G on the plus strand (A>C on the coding strand, the complement: BRCA1 is on the minus strand). VCF-style: chr17-43104918-T-G. GRCh37 (hg19) VCF-style: chr17-41256935-T-G.
Other names: c.41A>C, p.Glu14Ala (NM_001407571.1, NM_001407853.1, NM_001407879.1 and 58 more transcripts); c.251A>C, p.Glu84Ala (NM_001407581.1, NM_001407582.1, NM_001407583.1 and 168 more transcripts); c.173A>C, p.Glu58Ala (NM_001407653.1, NM_001407654.1, NM_001407655.1 and 21 more transcripts); c.110A>C, p.Glu37Ala (NM_001407692.1, NM_001407694.1, NM_001407695.1 and 99 more transcripts); c.-131A>C (NM_001407959.1, NM_001407960.1, NM_001407962.1 and 4 more transcripts); c.119A>C, p.Glu40Ala (NM_001408451.1); short protein forms E84A, E37A, E58A, E14A, E40A.
Identifiers: ClinVar variation 868309 (VCV000868309.3), dbSNP rs2054685676, ClinGen allele CA10601655.
Genomic context (GRCh38, chr17:43,104,918, plus strand): 5'-CAACACTTACACTCCAAACCTGTGTCAAGCTGAAAAGCACAAATGATTTTCAATAGCTCT[T>G]CAACAAGTTGACTAAATCTCGTACTTTCTTGTAGGCTCCTGAAATTAAATTGTTTGAGAA-3'
Protein context (NP_009225.1, residues 74-94): QESTRFSQLV[Glu84Ala]ELLKIICAFQ